The following is an entry in ClinVar:

ClinVar aggregate classification (germline): Uncertain significance. Review status: criteria provided, multiple submitters, no conflicts (2 of 4 stars). 2 submissions from 2 submitters: Uncertain significance (2). Last evaluated 2022-06-22.

Allele frequency attached by ClinVar (database versions not stated): gnomAD exomes 0.00001; TOPMed 0.00001.
gnomAD v4.1: 3 of 1,614,096 alleles (0.00019%); highest among the groups gnomAD compares: Admixed American, 0.005%; no homozygotes.

Submissions (2):

Labcorp Genetics (formerly Invitae), Labcorp
Classification: Uncertain significance. Last evaluated: 2022-06-22. Review status: criteria provided, single submitter. Criteria: Invitae Variant Classification Sherloc (09022015). Collection method: clinical testing. Allele origin: germline.
Comment: This sequence change replaces alanine, which is neutral and non-polar, with serine, which is neutral and polar, at codon 403 of the HPS3 protein (p.Ala403Ser). This variant is present in population databases (no rsID available, gnomAD 0.009%). This variant has not been reported in the literature in individuals affected with HPS3-related conditions. Algorithms developed to predict the effect of missense changes on protein structure and function (SIFT, PolyPhen-2, Align-GVGD) all suggest that this variant is likely to be tolerated. In summary, the available evidence is currently insufficient to determine the role of this variant in disease. Therefore, it has been classified as a Variant of Uncertain Significance.

Blueprint Genetics
Classification: Uncertain significance. Last evaluated: 2017-06-30. Review status: criteria provided, single submitter. Criteria: ACMG Guidelines, 2015. Collection method: clinical testing. Allele origin: germline.

NM_032383.5(HPS3):c.1207G>T (p.Ala403Ser)

Gene: HPS3 (HPS3 biogenesis of lysosomal organelles complex 2 subunit 1; plus strand). Cytogenetic location: 3q24.
Variant type: single nucleotide variant.
Coding change: c.1207G>T on transcript NM_032383.5 (MANE Select); coding-DNA position 1207, G replaced by T.
Protein change: p.Ala403Ser; replaces alanine 403 with serine.
Molecular consequence: missense variant.
Genome position (GRCh38, 1-based): chr3:149,150,642, G>T. VCF-style: chr3-149150642-G-T. GRCh37 (hg19) VCF-style: chr3-148868429-G-T.
Other names: c.712G>T, p.Ala238Ser (NM_001308258.2); short protein forms A238S, A403S.
Identifiers: ClinVar variation 2419749 (VCV002419749.4), dbSNP rs1182108600, ClinGen allele CA354917141.